The following is an entry in ClinVar:

NM_000152.5(GAA):c.766_770del (p.Tyr256fs)

Gene: GAA (alpha glucosidase; plus strand). Cytogenetic location: 17q25.3.
Variant type: Deletion.
Coding change: c.766_770del on transcript NM_000152.5 (MANE Select); coding-DNA positions 766 to 770, 5 bases deleted (TATAT; older notation c.766_770delTATAT).
Protein change: p.Tyr256fs; shifts the reading frame from tyrosine 256.
Molecular consequence: frameshift variant.
Genome position (GRCh38, 1-based): chr17:80,107,630-80,107,634, TATAT deleted. VCF-style (leftmost placement, unchanged base first): chr17-80107629-GTATAT-G. GRCh37 (hg19) VCF-style: chr17-78081428-GTATAT-G.
Other names: c.766_770del, p.Tyr256fs (NM_001079803.3, NM_001079804.3); short protein forms Y256fs.
Identifiers: ClinVar variation 5013907 (VCV005013907.1), dbSNP rs2143846518.

ClinVar aggregate classification (germline): Pathogenic (1 of 4 stars; one submission).

Conditions:
Glycogen storage disease, type II (IOPD). Also called: CARDIOMEGALIA GLYCOGENICA DIFFUSA; GLYCOGENOSIS, GENERALIZED, CARDIAC FORM; GSD II; POMPE DISEASE, INFANTILE-ONSET; GLYCOGEN STORAGE DISEASE II, INFANTILE-ONSET; ACID ALPHA-GLUCOSIDASE DEFICIENCY, INFANTILE-ONSET. Identifiers: Orphanet 365, MedGen C0017921, MONDO:0009290, OMIM 232300.

Submission:

Myriad Genetics, Inc.
Classification: Pathogenic for Glycogen storage disease, type II. Last evaluated: 2025-01-01. Review status: criteria provided, single submitter. Criteria: Myriad Autosomal Dominant, Autosomal Recessive and X-Linked Classification Criteria (2023). Collection method: clinical testing. Allele origin: unknown.
Comment: NM_000152.3(GAA):c.766_770del5(Y256Hfs*72) is expected to be pathogenic in the context of Pompe disease. This variant is predicted to lead to an abnormal or absent protein product due to the creation of a premature termination codon in GAA, a gene where loss-of-function variants are known to be pathogenic. Please note: this variant was assessed in the context of healthy population screening.